The following is an entry in ClinVar:

ClinVar aggregate classification (germline): Uncertain significance. Review status: criteria provided, multiple submitters, no conflicts (2 of 4 stars). 13 submissions from 13 submitters: Uncertain significance (10). 3 of the submissions do not count toward it. Last evaluated 2025-12-31.

Conditions:
Hereditary cancer-predisposing syndrome. Also called: Neoplastic Syndromes, Hereditary; Hereditary neoplastic syndrome; Tumor predisposition; Hereditary Cancer Syndrome. Identifiers: Orphanet 140162, MedGen C0027672, MeSH D009386, MONDO:0015356.
Familial cancer of breast. Also called: hereditary breast carcinoma; BREAST CANCER, FAMILIAL; Hereditary breast cancer. Identifiers: Orphanet 227535, MedGen C0346153, MONDO:0016419, OMIM 114480. Disease mechanism: loss of function.
ATM-related disorder. Also called: ATM-related disorders; ATM-related condition.
ATM-related cancer predisposition. Also called: ATM-related cancer susceptibility. Identifiers: MedGen CN377759, MONDO:0700270.
Breast-ovarian cancer, familial, susceptibility to, 1 (BROVCA1). Also called: BRCA1 Hereditary Breast and Ovarian Cancer; OVARIAN CANCER, SUSCEPTIBILITY TO. Identifiers: Orphanet 145, MedGen C2676676, MONDO:0011450, OMIM 604370. Disease mechanism: loss of function.
Ataxia-telangiectasia syndrome (AT). Also called: LOUIS-BAR SYNDROME; Cerebello-oculocutaneous telangiectasia; Immunodeficiency with ataxia telangiectasia; Ataxia-telangiectasia, complementation group D; AT, COMPLEMENTATION GROUP C; Ataxia telangiectasia (A-T). Identifiers: Orphanet 100, MedGen C0004135, MONDO:0008840, OMIM 208900.

Allele frequency attached by ClinVar (database versions not stated): gnomAD exomes 0.00001 and 0.00002; ExAC 0.00002; gnomAD 0.00002; TOPMed 0.00003.
gnomAD v4.1: 19 of 1,613,388 alleles (0.0012%); highest among the groups gnomAD compares: Admixed American, 0.0067%; no homozygotes.

Submissions (13):

Labcorp Genetics (formerly Invitae), Labcorp
Classification: Uncertain significance for Ataxia-telangiectasia syndrome. Last evaluated: 2025-12-31. Review status: criteria provided, single submitter. Criteria: Invitae Variant Classification Sherloc (09022015). Collection method: clinical testing. Allele origin: germline.
Comment: This sequence change replaces isoleucine, which is neutral and non-polar, with methionine, which is neutral and non-polar, at codon 1806 of the ATM protein (p.Ile1806Met). This variant is present in population databases (rs763020528, gnomAD 0.006%). This variant has not been reported in the literature in individuals affected with ATM-related conditions. ClinVar contains an entry for this variant (Variation ID: 453577). Invitae Evidence Modeling of protein sequence and biophysical properties (such as structural, functional, and spatial information, amino acid conservation, physicochemical variation, residue mobility, and thermodynamic stability) indicates that this missense variant is not expected to disrupt ATM protein function with a negative predictive value of 95%. In summary, the available evidence is currently insufficient to determine the role of this variant in disease. Therefore, it has been classified as a Variant of Uncertain Significance.

Department of Pathology and Laboratory Medicine, Sinai Health System
Classification: Uncertain significance for ATM-related cancer predisposition. Last evaluated: 2025-02-14. Review status: criteria provided, single submitter. Criteria: ACMG Guidelines, 2015. Collection method: clinical testing. Allele origin: germline.

Institute of Immunology and Genetics Kaiserslautern
Classification: Uncertain significance for Breast-ovarian cancer, familial, susceptibility to, 1. Last evaluated: 2024-07-09. Review status: criteria provided, single submitter. Criteria: ACMG Guidelines, 2015. Collection method: clinical testing. Allele origin: germline. Affected: no.
Comment: ACMG Criteria: not applicable; Variant was found in heterozygous state

Ambry Genetics
Classification: Uncertain significance for Hereditary cancer-predisposing syndrome. Last evaluated: 2024-02-27. Review status: criteria provided, single submitter. Criteria: Ambry Variant Classification Scheme 2023. Collection method: clinical testing. Allele origin: germline.
Comment: The p.I1806M variant (also known as c.5418A>G), located in coding exon 35 of the ATM gene, results from an A to G substitution at nucleotide position 5418. The isoleucine at codon 1806 is replaced by methionine, an amino acid with highly similar properties. This amino acid position is well conserved in available vertebrate species. In addition, the in silico prediction for this alteration is inconclusive. Since supporting evidence is limited at this time, the clinical significance of this alteration remains unclear.

Color Diagnostics, LLC DBA Color Health
Classification: Uncertain significance for Hereditary cancer-predisposing syndrome. Last evaluated: 2024-01-16. Review status: criteria provided, single submitter. Criteria: ACMG Guidelines, 2015. Collection method: clinical testing. Allele origin: germline.
Comment: This missense variant replaces isoleucine with methionine at codon 1806 of the ATM protein. Computational prediction suggests that this variant may not impact protein structure and function. To our knowledge, functional studies have not been reported for this variant. This variant has not been reported in individuals affected with hereditary cancer in the literature. This variant has been identified in 4/251168 chromosomes in the general population by the Genome Aggregation Database (gnomAD). The available evidence is insufficient to determine the role of this variant in disease conclusively. Therefore, this variant is classified as a Variant of Uncertain Significance.

Baylor Genetics
Classification: Uncertain significance for Familial cancer of breast. Last evaluated: 2023-11-08. Review status: criteria provided, single submitter. Criteria: ACMG Guidelines, 2015. Collection method: clinical testing. Allele origin: unknown.

PreventionGenetics, part of Exact Sciences
Classification: Uncertain significance for ATM-related condition. Last evaluated: 2022-12-15. Review status: criteria provided, single submitter. Criteria: ACMG Guidelines, 2015. Collection method: clinical testing. Allele origin: germline.
Comment: The ATM c.5418A>G variant is predicted to result in the amino acid substitution p.Ile1806Met. To our knowledge, this variant has not been reported in the literature. This variant is reported in 0.0058% of alleles in individuals of Latino descent in gnomAD and is interpreted as uncertain significance in ClinVar. At this time, the clinical significance of this variant is uncertain due to the absence of conclusive functional and genetic evidence.

Women's Health and Genetics/Laboratory Corporation of America, LabCorp
Classification: Uncertain significance. Last evaluated: 2022-02-07. Review status: criteria provided, single submitter. Criteria: LabCorp Variant Classification Summary - May 2015. Collection method: clinical testing. Allele origin: germline.
Comment: Variant summary: ATM c.5418A>G (p.Ile1806Met) results in a conservative amino acid change in the encoded protein sequence. Three of five in-silico tools predict a benign effect of the variant on protein function. The variant allele was found at a frequency of 1.6e-05 in 251168 control chromosomes. The available data on variant occurrences in the general population are insufficient to allow any conclusion about variant significance. To our knowledge, no occurrence of c.5418A>G in individuals affected with Prostate Cancer and no experimental evidence demonstrating its impact on protein function have been reported. Five clinical diagnostic laboratories have submitted clinical-significance assessments for this variant to ClinVar after 2014 without evidence for independent evaluation. All laboratories classified the variant as uncertain significance. Based on the evidence outlined above, the variant was classified as uncertain significance.

GeneDx
Classification: Uncertain significance. Last evaluated: 2021-11-30. Review status: criteria provided, single submitter. Criteria: GeneDx Variant Classification Process June 2021. Collection method: clinical testing. Allele origin: germline. Affected: yes.
Comment: Not observed at significant frequency in large population cohorts (Lek et al., 2016); In silico analysis supports that this missense variant does not alter protein structure/function; Has not been previously published as pathogenic or benign to our knowledge

Illumina Laboratory Services, Illumina
Classification: Uncertain significance for Ataxia-telangiectasia syndrome. Last evaluated: 2018-01-13. Review status: criteria provided, single submitter. Criteria: ICSL Variant Classification Criteria 13 December 2019. Collection method: clinical testing. Allele origin: germline.

Natera, Inc.
Classification: Uncertain significance for Ataxia-telangiectasia. Last evaluated: 2020-11-11. Review status: no assertion criteria provided. Collection method: clinical testing. Allele origin: germline. Not counted in ClinVar's aggregate classification.

Joint Genome Diagnostic Labs from Nijmegen and Maastricht, Radboudumc and MUMC+
Classification: Uncertain significance. Review status: no assertion criteria provided. Collection method: clinical testing. Allele origin: germline. Affected: yes. Study: VKGL Data-share Consensus. Not counted in ClinVar's aggregate classification.

Laboratory of Diagnostic Genome Analysis, Leiden University Medical Center (LUMC)
Classification: Uncertain significance. Review status: no assertion criteria provided. Collection method: clinical testing. Allele origin: germline. Affected: yes. Study: VKGL Data-share Consensus. Not counted in ClinVar's aggregate classification.

Literature cited by the submitters: PubMed 33471991 (cited by Department of Pathology and Laboratory Medicine, Sinai Health System).

NM_000051.4(ATM):c.5418A>G (p.Ile1806Met)

Gene: ATM (ATM serine/threonine kinase; plus strand). Cytogenetic location: 11q22.3.
Variant type: single nucleotide variant.
Coding change: c.5418A>G on transcript NM_000051.4 (MANE Select); coding-DNA position 5418, A replaced by G.
Protein change: p.Ile1806Met; replaces isoleucine 1806 with methionine.
Molecular consequence: missense variant.
Genome position (GRCh38, 1-based): chr11:108,302,951, A>G. VCF-style: chr11-108302951-A-G. GRCh37 (hg19) VCF-style: chr11-108173678-A-G.
Other names: c.5418A>G, p.Ile1806Met (NM_001351834.2); short protein forms I1806M.
Identifiers: ClinVar variation 453577 (VCV000453577.36), dbSNP rs763020528, ClinGen allele CA6265697.